The following is an entry in ClinVar:

ClinVar aggregate classification (germline): Uncertain significance. Review status: criteria provided, multiple submitters, no conflicts (2 of 4 stars). 6 submissions from 5 submitters: Uncertain significance (6). Last evaluated 2022-11-01.

Conditions:
Inborn genetic diseases. Identifiers: MedGen C0950123, MeSH D030342.
DNA ligase IV deficiency. Identifiers: Orphanet 99812, MedGen C1847827, MONDO:0011686, OMIM 606593.
Severe combined immunodeficiency due to DCLRE1C deficiency (RS-SCID). Also called: SCID, AUTOSOMAL RECESSIVE, T CELL-NEGATIVE, B CELL-NEGATIVE, NK CELL-POSITIVE, WITH SENSITIVITY TO IONIZING RADIATION. Identifiers: Orphanet 275, MedGen C1865371, MONDO:0011225, OMIM 602450.

Allele frequency attached by ClinVar (database versions not stated): gnomAD 0.00034 and 0.00036; ExAC 0.00012; gnomAD exomes 0.00014; TOPMed 0.00077; 1000 Genomes Project 30x 0.00031; 1000 Genomes Project 0.00040.
gnomAD v4.1: 264 of 1,614,064 alleles (0.016%); highest among the groups gnomAD compares: Admixed American, 0.088%; 1 homozygote.

Submissions (6):

Labcorp Genetics (formerly Invitae), Labcorp
Classification: Uncertain significance for DNA ligase IV deficiency. Last evaluated: 2022-11-01. Review status: criteria provided, single submitter. Criteria: Invitae Variant Classification Sherloc (09022015). Collection method: clinical testing. Allele origin: germline.
Comment: This sequence change replaces serine, which is neutral and polar, with arginine, which is basic and polar, at codon 672 of the LIG4 protein (p.Ser672Arg). This variant is present in population databases (rs142144659, gnomAD 0.04%). This variant has not been reported in the literature in individuals affected with LIG4-related conditions. ClinVar contains an entry for this variant (Variation ID: 211374). Advanced modeling of protein sequence and biophysical properties (such as structural, functional, and spatial information, amino acid conservation, physicochemical variation, residue mobility, and thermodynamic stability) performed at Invitae indicates that this missense variant is not expected to disrupt LIG4 protein function. In summary, the available evidence is currently insufficient to determine the role of this variant in disease. Therefore, it has been classified as a Variant of Uncertain Significance.

Ambry Genetics
Classification: Uncertain significance for Inborn genetic diseases. Last evaluated: 2021-09-17. Review status: criteria provided, single submitter. Criteria: Ambry Variant Classification Scheme 2023. Collection method: clinical testing. Allele origin: germline.

Revvity Omics, Revvity
Classification: Uncertain significance for DNA ligase IV deficiency. Last evaluated: 2019-12-06. Review status: criteria provided, single submitter. Criteria: ACMG Guidelines, 2015. Collection method: clinical testing. Allele origin: germline.

Illumina Laboratory Services, Illumina
Classification: Uncertain significance for Severe combined immunodeficiency due to DCLRE1C deficiency. Last evaluated: 2017-04-28. Review status: criteria provided, single submitter. Criteria: ICSL Variant Classification Criteria 13 December 2019. Collection method: clinical testing. Allele origin: germline.

Illumina Laboratory Services, Illumina
Classification: Uncertain significance for DNA ligase IV deficiency. Last evaluated: 2017-04-28. Review status: criteria provided, single submitter. Criteria: ICSL Variant Classification Criteria 13 December 2019. Collection method: clinical testing. Allele origin: germline.

Genetic Services Laboratory, University of Chicago
Classification: Uncertain significance. Last evaluated: 2015-01-29. Review status: criteria provided, single submitter. Criteria: ACMG Guidelines, 2015. Collection method: clinical testing. Allele origin: germline.

NM_206937.2(LIG4):c.2016C>G (p.Ser672Arg)

Gene: LIG4 (DNA ligase 4; minus strand). Cytogenetic location: 13q33.3.
Variant type: single nucleotide variant.
Coding change: c.2016C>G on transcript NM_206937.2 (MANE Select); coding-DNA position 2016, C replaced by G.
Protein change: p.Ser672Arg; replaces serine 672 with arginine.
Molecular consequence: missense variant.
Genome position (GRCh38, 1-based): chr13:108,209,253, G>C on the plus strand (C>G on the coding strand, the complement: LIG4 is on the minus strand). VCF-style: chr13-108209253-G-C. GRCh37 (hg19) VCF-style: chr13-108861601-G-C.
Other names: c.2016C>G, p.Ser672Arg (NM_001098268.2, NM_001352598.2, NM_001352599.2 and 6 more transcripts); c.1815C>G, p.Ser605Arg (NM_001330595.2); c.2052C>G, p.Ser684Arg (NM_001352604.2); short protein forms S672R, S605R, S684R.
Identifiers: ClinVar variation 211374 (VCV000211374.15), dbSNP rs142144659, ClinGen allele CA206421.